The following is an entry in ClinVar:

NM_001278512.2(AP3B2):c.2095dup (p.Asp699fs)

Genes: AP3B2 (adaptor related protein complex 3 subunit beta 2; minus strand), CPEB1-AS1 (CPEB1 antisense RNA 1; plus strand). Cytogenetic location: 15q25.2.
Variant type: Duplication.
Coding change: c.2095dup on transcript NM_001278512.2 (MANE Select); coding-DNA position 2095, one base duplicated (G; older notation c.2095dupG).
Protein change: p.Asp699fs; shifts the reading frame from aspartic acid 699.
Molecular consequence: frameshift variant.
Genome position (GRCh38, 1-based): chr15:82,664,877, C duplicated on the plus strand (G on the coding strand, the reverse complement: AP3B2 is on the minus strand); the first of 2 consecutive C bases (chr15:82,664,877-82,664,878); duplicating either gives the same sequence. VCF-style (leftmost placement, unchanged base first): chr15-82664876-T-TC. GRCh37 (hg19) VCF-style: chr15-83333628-T-TC.
Other names: c.1942dup, p.Asp648fs (NM_001278511.2); c.2038dup, p.Asp680fs (NM_004644.5); short protein forms D680fs, D648fs, D699fs.
Identifiers: ClinVar variation 2982388 (VCV002982388.3), dbSNP rs1391900515, ClinGen allele CA491785007.

ClinVar aggregate classification (germline): Pathogenic (1 of 4 stars; one submission).

Submission:

Labcorp Genetics (formerly Invitae), Labcorp
Classification: Pathogenic. Last evaluated: 2025-07-30. Review status: criteria provided, single submitter. Criteria: Invitae Variant Classification Sherloc (09022015). Collection method: clinical testing. Allele origin: germline.
Comment: This sequence change creates a premature translational stop signal (p.Asp680Glyfs*3) in the AP3B2 gene. It is expected to result in an absent or disrupted protein product. Loss-of-function variants in AP3B2 are known to be pathogenic (PMID: 27889060). This variant is present in population databases (no rsID available, gnomAD 0.003%). This variant has not been reported in the literature in individuals affected with AP3B2-related conditions. ClinVar contains an entry for this variant (Variation ID: 2982388). For these reasons, this variant has been classified as Pathogenic.

Literature cited by the submitters: PubMed 27889060.